The following is an entry in ClinVar:

NM_138773.4(SLC25A46):c.239C>A (p.Pro80His)

Gene: SLC25A46 (solute carrier family 25 member 46; plus strand). Cytogenetic location: 5q22.1.
Variant type: single nucleotide variant.
Coding change: c.239C>A on transcript NM_138773.4 (MANE Select); coding-DNA position 239, C replaced by A.
Protein change: p.Pro80His; replaces proline 80 with histidine.
Molecular consequence: missense variant. On other transcripts: non-coding transcript variant (1), intron variant (1).
Genome position (GRCh38, 1-based): chr5:110,739,358, C>A. VCF-style: chr5-110739358-C-A. GRCh37 (hg19) VCF-style: chr5-110075059-C-A.
Other names: c.239C>A, p.Pro80His (NM_001303249.3); c.10+1111C>A (NM_001303250.3); short protein forms P80H.
Identifiers: ClinVar variation 1374649 (VCV001374649.8), dbSNP rs773343482, ClinGen allele CA360693423.

ClinVar aggregate classification (germline): Uncertain significance (1 of 4 stars; one submission).

Conditions:
Neuropathy, hereditary motor and sensory, type 6B (HMSN6B). Also called: HMSN VIB; CHARCOT-MARIE-TOOTH DISEASE, TYPE 6B; NEUROPATHY, HEREDITARY MOTOR AND SENSORY, TYPE VIB, WITH OPTIC ATROPHY; Neuropathy, hereditary motor and sensory, type VIB. Identifiers: MedGen C4225302, MONDO:0014671, OMIM 616505.

Submission:

Labcorp Genetics (formerly Invitae), Labcorp
Classification: Uncertain significance for Neuropathy, hereditary motor and sensory, type 6B. Last evaluated: 2022-03-29. Review status: criteria provided, single submitter. Criteria: Invitae Variant Classification Sherloc (09022015). Collection method: clinical testing. Allele origin: germline.
Comment: This variant has not been reported in the literature in individuals affected with SLC25A46-related conditions. This variant is not present in population databases (gnomAD no frequency). This sequence change replaces proline, which is neutral and non-polar, with histidine, which is basic and polar, at codon 80 of the SLC25A46 protein (p.Pro80His). Algorithms developed to predict the effect of missense changes on protein structure and function (SIFT, PolyPhen-2, Align-GVGD) all suggest that this variant is likely to be tolerated. In summary, the available evidence is currently insufficient to determine the role of this variant in disease. Therefore, it has been classified as a Variant of Uncertain Significance.